The following is an entry in ClinVar:

ClinVar aggregate classification (germline): Uncertain significance (1 of 4 stars; one submission).

Conditions:
Inborn genetic diseases. Identifiers: MedGen C0950123, MeSH D030342.

Submission:

Ambry Genetics
Classification: Uncertain significance for Inborn genetic diseases. Last evaluated: 2026-07-01. Review status: criteria provided, single submitter. Criteria: Ambry Variant Classification Scheme 2023. Collection method: clinical testing. Allele origin: germline.
Comment: The p.G234W variant (also known as c.700G>T), located in coding exon 6 of the DNMT3A gene, results from a G to T substitution at nucleotide position 700. The glycine at codon 234 is replaced by tryptophan, an amino acid with highly dissimilar properties. This amino acid position is conserved. In addition, this alteration is predicted to be tolerated by in silico analysis. Based on the available evidence, the clinical significance of this variant remains unclear.

NM_022552.5(DNMT3A):c.700G>T (p.Gly234Trp)

Gene: DNMT3A (DNA methyltransferase 3 alpha; minus strand). Cytogenetic location: 2p23.3.
Variant type: single nucleotide variant.
Coding change: c.700G>T on transcript NM_022552.5 (MANE Select); coding-DNA position 700, G replaced by T.
Protein change: p.Gly234Trp; replaces glycine 234 with tryptophan.
Molecular consequence: missense variant. On other transcripts: non-coding transcript variant (1).
Genome position (GRCh38, 1-based): chr2:25,248,192, C>A on the plus strand (G>T on the coding strand, the complement: DNMT3A is on the minus strand). VCF-style: chr2-25248192-C-A. GRCh37 (hg19) VCF-style: chr2-25471061-C-A.
Other names: c.244G>T, p.Gly82Trp (NM_001320893.1); c.31G>T, p.Gly11Trp (NM_001375819.1); c.133G>T, p.Gly45Trp (NM_153759.3); c.700G>T, p.Gly234Trp (NM_175629.2); short protein forms G82W, G45W, G11W, G234W.
Identifiers: ClinVar variation 5035502 (VCV005035502.1).